The following is an entry in ClinVar:

ClinVar aggregate classification (germline): Likely benign (1 of 4 stars; one submission).

Allele frequency attached by ClinVar (database versions not stated): ESP Exome Variant Server 0.00008; ExAC 0.00017; gnomAD 0.00018; TOPMed 0.00021; gnomAD exomes 0.00029.
gnomAD v4.1: 440 of 1,613,560 alleles (0.027%); highest among the groups gnomAD compares: Non-Finnish European, 0.035%; no homozygotes.

Submission:

CeGaT Center for Human Genetics Tuebingen
Classification: Likely benign. Last evaluated: 2023-11-01. Review status: criteria provided, single submitter. Criteria: CeGaT Center For Human Genetics Tuebingen Variant Classification Criteria Version 2. Collection method: clinical testing. Allele origin: germline. Affected: yes. Observed: 1 variant allele.
Comment: MAPK8IP3: BP4

NM_001318852.2(MAPK8IP3):c.510+6C>T

Gene: MAPK8IP3 (mitogen-activated protein kinase 8 interacting protein 3; plus strand). Cytogenetic location: 16p13.3.
Variant type: single nucleotide variant.
Coding change: c.510+6C>T on transcript NM_001318852.2 (MANE Select); 6 bases into the intron after coding-DNA position 510, C replaced by T.
Molecular consequence: intron variant.
Genome position (GRCh38, 1-based): chr16:1,729,214, C>T. VCF-style: chr16-1729214-C-T. GRCh37 (hg19) VCF-style: chr16-1779215-C-T.
Other names: c.510+6C>T (NM_015133.5, NM_001040439.2).
Identifiers: ClinVar variation 2672601 (VCV002672601.23), dbSNP rs201116895, ClinGen allele CA7816325.
Genomic context (GRCh38, chr16:1,729,214, plus strand): 5'-GCGGGAGTCGGAGATGAAGAAGGAGTACAATGCCCTGCACCAGCGGCACACAGAGGTGGG[C>T]GCCCAGAGGCAAGCGCGGAGACGAGGGTTGGAGACAGGGCCGCGGCCTGACGCCTGCGAC-3'